The following is an entry in ClinVar:

NM_019066.5(MAGEL2):c.92G>A (p.Arg31Gln)

Gene: MAGEL2 (MAGE family member L2; minus strand). Cytogenetic location: 15q11.2.
Variant type: single nucleotide variant.
Coding change: c.92G>A on transcript NM_019066.5 (MANE Select); coding-DNA position 92, G replaced by A.
Protein change: p.Arg31Gln; replaces arginine 31 with glutamine.
Molecular consequence: missense variant.
Genome position (GRCh38, 1-based): chr15:23,647,651, C>T on the plus strand (G>A on the coding strand, the complement: MAGEL2 is on the minus strand). VCF-style: chr15-23647651-C-T. GRCh37 (hg19) VCF-style: chr15-23892798-C-T.
Other names: short protein forms R31Q.
Identifiers: ClinVar variation 4997046 (VCV004997046.1).

ClinVar aggregate classification (germline): Uncertain significance (1 of 4 stars; one submission).

Conditions:
MAGEL2-related disorder. Also called: MAGEL2-related condition.

Submission:

PreventionGenetics, part of Exact Sciences
Classification: Uncertain significance for MAGEL2-related condition. Last evaluated: 2024-12-18. Review status: criteria provided, single submitter. Criteria: ACMG Guidelines, 2015. Collection method: clinical testing. Allele origin: germline.
Comment: The MAGEL2 c.92G>A variant is predicted to result in the amino acid substitution p.Arg31Gln. To our knowledge, this variant has not been reported in the literature or in a large population database (gnomAD), indicating this variant is rare. At this time, the clinical significance of this variant is uncertain due to the absence of conclusive functional and genetic evidence.